The following is an entry in ClinVar:

NM_022089.4(ATP13A2):c.2436C>G (p.Tyr812Ter)

Gene: ATP13A2 (ATPase cation transporting 13A2; minus strand). Cytogenetic location: 1p36.13.
Variant type: single nucleotide variant.
Coding change: c.2436C>G on transcript NM_022089.4 (MANE Select); coding-DNA position 2436, C replaced by G.
Protein change: p.Tyr812Ter; replaces tyrosine 812 with a stop codon.
Molecular consequence: nonsense. On other transcripts: intron variant (1).
Genome position (GRCh38, 1-based): chr1:16,989,980, G>C on the plus strand (C>G on the coding strand, the complement: ATP13A2 is on the minus strand). VCF-style: chr1-16989980-G-C. GRCh37 (hg19) VCF-style: chr1-17316475-G-C.
Other names: c.2421C>G, p.Tyr807Ter (NM_001141973.3); c.2397+147C>G (NM_001141974.3); short protein forms Y807*, Y812*.
Identifiers: ClinVar variation 4813071 (VCV004813071.1).

ClinVar aggregate classification (germline): Likely pathogenic (1 of 4 stars; one submission).

Conditions:
Autosomal recessive spastic paraplegia type 78. Identifiers: Orphanet 513436, MedGen C5567893, MONDO:0014975, OMIM 617225.

Submission:

Variantyx, Inc.
Classification: Likely pathogenic for Autosomal recessive spastic paraplegia type 78. Last evaluated: 2025-09-15. Review status: criteria provided, single submitter. Criteria: Variantyx Assertion Criteria 2022. Collection method: clinical testing. Allele origin: germline. Inheritance: Autosomal recessive inheritance.
Comment: This is a nonsense variant in the ATP13A2 gene (OMIM: 610513). Pathogenic variants in this gene have been associated with autosomal recessive ATP13A2-related disorders, including spastic paraplegia 78. This variant introduces a premature termination codon in exon 22 out of 29 and is expected to result in loss of function, which is a known disease mechanism for ATP13A2 in this disorder (PMID:16964263, 21696388, 28137957) (PVS1). This variant is absent from control populations (PM2). Based on the current evidence, this variant is classified as likely pathogenic for autosomal recessive spastic paraplegia 78..

Literature cited by the submitters: PubMed 16964263; PubMed 21696388; PubMed 28137957.